The following is an entry in ClinVar:

NM_182914.3(SYNE2):c.11346+6G>A

Gene: SYNE2 (spectrin repeat containing nuclear envelope protein 2; plus strand). Cytogenetic location: 14q23.2.
Variant type: single nucleotide variant.
Coding change: c.11346+6G>A on transcript NM_182914.3 (MANE Select); 6 bases into the intron after coding-DNA position 11346, G replaced by A.
Molecular consequence: intron variant.
Genome position (GRCh38, 1-based): chr14:64,080,644, G>A. VCF-style: chr14-64080644-G-A. GRCh37 (hg19) VCF-style: chr14-64547362-G-A.
Other names: c.11346+6G>A (NM_015180.6).
Identifiers: ClinVar variation 2741353 (VCV002741353.3), dbSNP rs2548606989, ClinGen allele CA2697553932.

ClinVar aggregate classification (germline): Uncertain significance (1 of 4 stars; one submission).

Conditions:
Emery-Dreifuss muscular dystrophy 5, autosomal dominant (EDMD5). Also called: EMERY-DREIFUSS MUSCULAR DYSTROPHY 5. Identifiers: Orphanet 261, MedGen C2751805, MONDO:0013072, OMIM 612999.

Submission:

Labcorp Genetics (formerly Invitae), Labcorp
Classification: Uncertain significance for Emery-Dreifuss muscular dystrophy 5, autosomal dominant. Last evaluated: 2023-05-27. Review status: criteria provided, single submitter. Criteria: Invitae Variant Classification Sherloc (09022015). Collection method: clinical testing. Allele origin: germline.
Comment: Variants that disrupt the consensus splice site are a relatively common cause of aberrant splicing (PMID: 17576681, 9536098). Algorithms developed to predict the effect of sequence changes on RNA splicing suggest that this variant is not likely to affect RNA splicing. This variant has not been reported in the literature in individuals affected with SYNE2-related conditions. In summary, the available evidence is currently insufficient to determine the role of this variant in disease. Therefore, it has been classified as a Variant of Uncertain Significance. This sequence change falls in intron 56 of the SYNE2 gene. It does not directly change the encoded amino acid sequence of the SYNE2 protein. It affects a nucleotide within the consensus splice site. This variant is not present in population databases (gnomAD no frequency).

Literature cited by the submitters: PubMed 17576681; PubMed 9536098.